The following is an entry in ClinVar:

ClinVar aggregate classification (germline): Benign/Likely benign. Review status: criteria provided, multiple submitters, no conflicts (2 of 4 stars). 4 submissions from 4 submitters: Benign (1); Likely benign (3). Last evaluated 2026-07-09.

Conditions:
Hereditary cancer-predisposing syndrome. Also called: Hereditary Cancer Syndrome; Hereditary neoplastic syndrome; Neoplastic Syndromes, Hereditary; Tumor predisposition. Identifiers: Orphanet 140162, MedGen C0027672, MeSH D009386, MONDO:0015356.
Rhabdoid tumor predisposition syndrome 2 (RTPS2). Identifiers: Orphanet 231108, Orphanet 69077, MedGen C2750074, MONDO:0013224, OMIM 613325.

Allele frequency attached by ClinVar (database versions not stated): gnomAD 0.00001; TOPMed 0.00001.

Submissions (4):

Myriad Genetics, Inc.
Classification: Benign for Rhabdoid tumor predisposition syndrome 2. Last evaluated: 2026-07-09. Review status: criteria provided, single submitter. Criteria: Myriad Autosomal Dominant, Autosomal Recessive and X-Linked Classification Criteria (2023). Collection method: clinical testing. Allele origin: unknown.
Comment: This variant is considered benign. This variant is a silent/synonymous amino acid change and it is not expected to impact splicing.

Labcorp Genetics (formerly Invitae), Labcorp
Classification: Likely benign for Rhabdoid tumor predisposition syndrome 2. Last evaluated: 2024-03-14. Review status: criteria provided, single submitter. Criteria: Invitae Variant Classification Sherloc (09022015). Collection method: clinical testing. Allele origin: germline.

CeGaT Center for Human Genetics Tuebingen
Classification: Likely benign. Last evaluated: 2023-12-01. Review status: criteria provided, single submitter. Criteria: CeGaT Center For Human Genetics Tuebingen Variant Classification Criteria Version 2. Collection method: clinical testing. Allele origin: germline. Affected: yes. Observed: 1 variant allele.
Comment: SMARCA4: BP4, BP7

Ambry Genetics
Classification: Likely benign for Hereditary cancer-predisposing syndrome. Last evaluated: 2017-03-26. Review status: criteria provided, single submitter. Criteria: Ambry Variant Classification Scheme 2023. Collection method: clinical testing. Allele origin: germline.

NM_003072.5(SMARCA4):c.1059C>A (p.Thr353=)

Gene: SMARCA4 (SWI/SNF related BAF chromatin remodeling complex subunit ATPase 4; plus strand). Cytogenetic location: 19p13.2.
Variant type: single nucleotide variant.
Coding change: c.1059C>A on transcript NM_003072.5 (MANE Select); coding-DNA position 1059, C replaced by A.
Protein change: p.Thr353=; no amino-acid change (threonine 353 retained).
Molecular consequence: synonymous variant. On other transcripts: non-coding transcript variant (1).
Genome position (GRCh38, 1-based): chr19:10,987,865, C>A. VCF-style: chr19-10987865-C-A. GRCh37 (hg19) VCF-style: chr19-11098541-C-A.
Other names: c.1059C>A, p.Thr353= (NM_001128844.3, NM_001128845.2, NM_001128846.2 and 5 more transcripts).
Identifiers: ClinVar variation 415115 (VCV000415115.39), dbSNP rs1060504448, ClinGen allele CA16616112.